The following is an entry in ClinVar:

GRCh38/hg38 10q26.3(chr10:133440535-133564028)x1

Genes: CYP2E1 (cytochrome P450 family 2 subfamily E member 1; plus strand), SCART1 (scavenger receptor family member expressed on T cells 1; plus strand), SYCE1 (synaptonemal complex central element protein 1; minus strand), LOC110599585 (CYP2E1 5' regulatory region; plus strand), LOC126861107 (BRD4-independent group 4 enhancer GRCh37_chr10:135344892-135346091; plus strand) and 5 more. Cytogenetic location: 10q26.3.
Variant type: copy number loss.
Change: copy number 1 (one copy instead of two) of chr10:133,440,535-133,564,028 (123.5 kb, GRCh38 coordinates, 1-based), cytogenetic band 10q26.3.
Identifiers: ClinVar variation 161008 (VCV000161008.1).

ClinVar aggregate classification (germline): Benign (1 of 4 stars; one submission).

Submission:

ISCA site 4
Classification: Benign. Last evaluated: 2011-08-12. Review status: criteria provided, single submitter. Criteria: Kaminsky et al. (Genet Med. 2011). Collection method: clinical testing. Allele origin: unknown, maternal. Affected: yes. Observed: 4 variant alleles. Clinical features observed: Developmental delay AND/OR other significant developmental or morphological phenotypes, Global developmental delay (HP:0001263).
Comment: Copy number variation identified through the course of routine clinical cytogenomic testing in postnatal populations. Clinical assertions have been curated as described in Kaminsky et al. 2011.